The following is an entry in ClinVar:

ClinVar aggregate classification (germline): Conflicting classifications of pathogenicity. Review status: criteria provided, conflicting classifications (1 of 4 stars). 5 submissions from 5 submitters: Uncertain significance (4); Likely benign (1). Last evaluated 2025-07-30.

Conditions:
FRAS1-related disorder. Also called: FRAS1-related condition.
Fraser syndrome 1 (FRASRS1). Also called: CRYPTOPHTHALMOS WITH OTHER MALFORMATIONS. Identifiers: Orphanet 2052, MedGen C4551480, MONDO:0054737, OMIM 219000.

Allele frequency attached by ClinVar (database versions not stated): gnomAD 0.00001 and 0.00002; TOPMed 0.00001; gnomAD exomes 0.00002; ExAC 0.00003.
gnomAD v4.1: 42 of 1,610,352 alleles (0.0026%); highest among the groups gnomAD compares: East Asian, 0.036%; no homozygotes.

Submissions (5):

PreventionGenetics, part of Exact Sciences
Classification: Uncertain significance for FRAS1-related condition. Last evaluated: 2025-07-30. Review status: criteria provided, single submitter. Criteria: ACMG Guidelines, 2015. Collection method: clinical testing. Allele origin: germline.
Comment: The FRAS1 c.3191G>T variant is predicted to result in the amino acid substitution p.Arg1064Leu. To our knowledge, this variant has not been reported in the literature. This variant is present in 0.021% of alleles in individuals of East Asian descent in gnomAD. At this time, the clinical significance of this variant is uncertain due to the absence of conclusive functional and genetic evidence.

3billion
Classification: Likely benign for Fraser syndrome 1. Last evaluated: 2024-09-20. Review status: criteria provided, single submitter. Criteria: ACMG Guidelines, 2015. Collection method: clinical testing. Allele origin: germline. Affected: no.
Comment: The homozygous variant was found in patients diagnosed with another variant in a different gene, with no symptoms related to the gene containing the homozygous variant.

Labcorp Genetics (formerly Invitae), Labcorp
Classification: Uncertain significance. Last evaluated: 2022-10-04. Review status: criteria provided, single submitter. Criteria: Invitae Variant Classification Sherloc (09022015). Collection method: clinical testing. Allele origin: germline.
Comment: This sequence change replaces arginine, which is basic and polar, with leucine, which is neutral and non-polar, at codon 1064 of the FRAS1 protein (p.Arg1064Leu). This variant is present in population databases (rs779286671, gnomAD 0.02%). This variant has not been reported in the literature in individuals affected with FRAS1-related conditions. ClinVar contains an entry for this variant (Variation ID: 649233). Algorithms developed to predict the effect of missense changes on protein structure and function (SIFT, PolyPhen-2, Align-GVGD) all suggest that this variant is likely to be tolerated. In summary, the available evidence is currently insufficient to determine the role of this variant in disease. Therefore, it has been classified as a Variant of Uncertain Significance.

Fulgent Genetics
Classification: Uncertain significance for Fraser syndrome 1. Last evaluated: 2022-02-09. Review status: criteria provided, single submitter. Criteria: ACMG Guidelines, 2015. Collection method: clinical testing. Allele origin: unknown.

Revvity Omics, Revvity
Classification: Uncertain significance for Fraser syndrome 1. Last evaluated: 2021-07-22. Review status: criteria provided, single submitter. Criteria: ACMG Guidelines, 2015. Collection method: clinical testing. Allele origin: germline.

NM_025074.7(FRAS1):c.3191G>T (p.Arg1064Leu)

Gene: FRAS1 (Fraser extracellular matrix complex subunit 1; plus strand). Cytogenetic location: 4q21.21.
Variant type: single nucleotide variant.
Coding change: c.3191G>T on transcript NM_025074.7 (MANE Select); coding-DNA position 3191, G replaced by T.
Protein change: p.Arg1064Leu; replaces arginine 1064 with leucine.
Molecular consequence: missense variant.
Genome position (GRCh38, 1-based): chr4:78,375,778, G>T. VCF-style: chr4-78375778-G-T. GRCh37 (hg19) VCF-style: chr4-79296932-G-T.
Other names: c.3191G>T, p.Arg1064Leu (NM_001166133.2); short protein forms R1064L.
Identifiers: ClinVar variation 649233 (VCV000649233.8), dbSNP rs779286671, ClinGen allele CA2976867.